The following is an entry in ClinVar:

ClinVar aggregate classification (germline): Uncertain significance. Review status: criteria provided, multiple submitters, no conflicts (2 of 4 stars). 3 submissions from 3 submitters: Uncertain significance (3). Last evaluated 2022-06-30.

Conditions:
Hereditary breast ovarian cancer syndrome. Also called: Hereditary breast and ovarian cancer syndrome; Hereditary breast and/or ovarian cancer syndrome; Hereditary breast and ovarian cancer syndrome (HBOC); Breast and ovarian cancer; BRCA1- and BRCA2-Associated Hereditary Breast and Ovarian Cancer; Hereditary breast and ovarian cancer. Identifiers: Orphanet 145, MedGen C0677776, MeSH D061325, MONDO:0003582. Disease mechanism: loss of function.
Hereditary cancer-predisposing syndrome. Also called: Neoplastic Syndromes, Hereditary; Hereditary Cancer Syndrome; Tumor predisposition; Hereditary neoplastic syndrome. Identifiers: Orphanet 140162, MedGen C0027672, MeSH D009386, MONDO:0015356.

Submissions (3):

Ambry Genetics
Classification: Uncertain significance for Hereditary cancer-predisposing syndrome. Last evaluated: 2022-06-30. Review status: criteria provided, single submitter. Criteria: Ambry Variant Classification Scheme 2023. Collection method: clinical testing. Allele origin: germline.
Comment: The p.D2913V variant (also known as c.8738A>T), located in coding exon 20 of the BRCA2 gene, results from an A to T substitution at nucleotide position 8738. The aspartic acid at codon 2913 is replaced by valine, an amino acid with highly dissimilar properties. This amino acid position is highly conserved in available vertebrate species. In addition, this alteration is predicted to be deleterious by in silico analysis. Since supporting evidence is limited at this time, the clinical significance of this alteration remains unclear.

Labcorp Genetics (formerly Invitae), Labcorp
Classification: Uncertain significance for Hereditary breast ovarian cancer syndrome. Last evaluated: 2022-03-28. Review status: criteria provided, single submitter. Criteria: Invitae Variant Classification Sherloc (09022015). Collection method: clinical testing. Allele origin: germline.
Comment: This variant has not been reported in the literature in individuals affected with BRCA2-related conditions. This variant is not present in population databases (gnomAD no frequency). This sequence change replaces aspartic acid, which is acidic and polar, with valine, which is neutral and non-polar, at codon 2913 of the BRCA2 protein (p.Asp2913Val). ClinVar contains an entry for this variant (Variation ID: 582857). In summary, the available evidence is currently insufficient to determine the role of this variant in disease. Therefore, it has been classified as a Variant of Uncertain Significance. Advanced modeling of protein sequence and biophysical properties (such as structural, functional, and spatial information, amino acid conservation, physicochemical variation, residue mobility, and thermodynamic stability) performed at Invitae indicates that this missense variant is not expected to disrupt BRCA2 protein function.

Color Diagnostics, LLC DBA Color Health
Classification: Uncertain significance for Hereditary cancer-predisposing syndrome. Last evaluated: 2019-06-08. Review status: criteria provided, single submitter. Criteria: ACMG Guidelines, 2015. Collection method: clinical testing. Allele origin: germline.

NM_000059.4(BRCA2):c.8738A>T (p.Asp2913Val)

Gene: BRCA2 (BRCA2 DNA repair associated; plus strand). Cytogenetic location: 13q13.1.
Variant type: single nucleotide variant.
Coding change: c.8738A>T on transcript NM_000059.4 (MANE Select); coding-DNA position 8738, A replaced by T.
Protein change: p.Asp2913Val; replaces aspartic acid 2913 with valine.
Molecular consequence: missense variant.
Genome position (GRCh38, 1-based): chr13:32,376,775, A>T. VCF-style: chr13-32376775-A-T. GRCh37 (hg19) VCF-style: chr13-32950912-A-T.
Other names: short protein forms D2913V.
Identifiers: ClinVar variation 582857 (VCV000582857.13), dbSNP rs1566251497, ClinGen allele CA387755033.